The following is an entry in ClinVar:

NM_014363.6(SACS):c.8245A>G (p.Ile2749Val)

Gene: SACS (sacsin molecular chaperone; minus strand). Cytogenetic location: 13q12.12.
Variant type: single nucleotide variant.
Coding change: c.8245A>G on transcript NM_014363.6 (MANE Select); coding-DNA position 8245, A replaced by G.
Protein change: p.Ile2749Val; replaces isoleucine 2749 with valine.
Molecular consequence: missense variant.
Genome position (GRCh38, 1-based): chr13:23,335,631, T>C on the plus strand (A>G on the coding strand, the complement: SACS is on the minus strand). VCF-style: chr13-23335631-T-C. GRCh37 (hg19) VCF-style: chr13-23909770-T-C.
Other names: c.7804A>G, p.Ile2602Val (NM_001278055.2); c.8245A>G (NM_014363.4); short protein forms I2749V, I2602V.
Identifiers: ClinVar variation 411694 (VCV000411694.28), dbSNP rs186436335, ClinGen allele CA6910801.

ClinVar aggregate classification (germline): Conflicting classifications of pathogenicity. Review status: criteria provided, conflicting classifications (1 of 4 stars). 10 submissions from 10 submitters: Uncertain significance (8); Likely benign (2). Last evaluated 2026-05-27.

Conditions:
SACS-related disorder. Also called: SACS-related condition.
Spastic paraplegia. Identifiers: MedGen C0037772, HP:0001258.
Hereditary spastic paraplegia. Also called: Familial spastic paraparesis. Identifiers: Orphanet 685, MedGen C0037773, MONDO:0019064. Disease mechanism: loss of function.
Charlevoix-Saguenay spastic ataxia (SACS). Also called: SPASTIC ATAXIA 6, AUTOSOMAL RECESSIVE; AUTOSOMAL RECESSIVE SPASTIC ATAXIA OF CHARLEVOIX-SAGUENAY; Spastic ataxia of Charlevoix-Saguenay. Identifiers: Orphanet 98, MedGen C1849140, MONDO:0010041, OMIM 270550.
Intellectual disability. Also called: Intellectual functioning disability; intellectual disabilities; Intellectual developmental disorder. Identifiers: MedGen C3714756, MeSH D008607, MONDO:0001071, HP:0001249.

Allele frequency attached by ClinVar (database versions not stated): ESP Exome Variant Server 0.00008; gnomAD 0.00013 and 0.00014; TOPMed 0.00013; gnomAD exomes 0.00027 and 0.00030; ExAC 0.00035; 1000 Genomes Project 0.00060; 1000 Genomes Project 30x 0.00062.
gnomAD v4.1: 453 of 1,613,960 alleles (0.028%); highest among the groups gnomAD compares: Non-Finnish European, 0.034%; 1 homozygote.

Submissions (10):

PreventionGenetics, part of Exact Sciences
Classification: Uncertain significance for SACS-related condition. Last evaluated: 2026-05-27. Review status: criteria provided, single submitter. Criteria: ACMG Guidelines, 2015. Collection method: clinical testing. Allele origin: germline.
Comment: The SACS c.8245A>G variant is predicted to result in the amino acid substitution p.Ile2749Val. This variant has been reported in the heterozygous state without a second SACS variant in an individual with ataxia (Supp. Table S6, Ngo et al. 2020. PubMed ID: 31692161). This variant is reported in 0.042% of alleles in individuals of South Asian descent in gnomAD. Although we suspect that this variant may be benign, at this time, the clinical significance of this variant is uncertain due to the absence of conclusive functional and genetic evidence.

Labcorp Genetics (formerly Invitae), Labcorp
Classification: Likely benign for Spastic paraplegia. Last evaluated: 2026-01-26. Review status: criteria provided, single submitter. Criteria: Invitae Variant Classification Sherloc (09022015). Collection method: clinical testing. Allele origin: germline.

Mayo Clinic Laboratories, Mayo Clinic
Classification: Uncertain significance. Last evaluated: 2025-08-04. Review status: criteria provided, single submitter. Criteria: ACMG Guidelines, 2015. Collection method: clinical testing. Allele origin: germline. Observed: 3 variant alleles.

Women's Health and Genetics/Laboratory Corporation of America, LabCorp
Classification: Uncertain significance. Last evaluated: 2025-03-24. Review status: criteria provided, single submitter. Criteria: LabCorp Variant Classification Summary - May 2015. Collection method: clinical testing. Allele origin: germline.
Comment: Variant summary: SACS c.8245A>G (p.Ile2749Val) results in a conservative amino acid change in the encoded protein sequence. Three of five in-silico tools predict a damaging effect of the variant on protein function. The variant allele was found at a frequency of 0.00028 in 1613960 control chromosomes in the gnomAD database, including 1 homozygotes (gnomAD v4). This frequency is not significantly higher than estimated for a pathogenic variant in SACS causing Autosomal Recessive Spastic Ataxia Of Charlevoix-Saguenay (0.00028 vs 0.0079), allowing no conclusion about variant significance. c.8245A>G has been reported in the literature in individuals affected with Ataxia (Ngo_2020). These report(s) do not provide unequivocal conclusions about association of the variant with Autosomal Recessive Spastic Ataxia Of Charlevoix-Saguenay. To our knowledge, no experimental evidence demonstrating an impact on protein function has been reported. The following publication have been ascertained in the context of this evaluation (PMID: 31692161). ClinVar contains an entry for this variant (Variation ID: 411694). Based on the evidence outlined above, the variant was classified as uncertain significance.

Blueprint Genetics
Classification: Uncertain significance. Last evaluated: 2024-09-18. Review status: criteria provided, single submitter. Criteria: ACMG Guidelines, 2015. Collection method: clinical testing. Allele origin: germline.

Athena Diagnostics
Classification: Likely benign. Last evaluated: 2023-11-10. Review status: criteria provided, single submitter. Criteria: Athena Diagnostics Criteria. Collection method: clinical testing. Allele origin: unknown.

Genome Diagnostics Laboratory, The Hospital for Sick Children
Classification: Uncertain significance for Hereditary spastic paraplegia. Last evaluated: 2021-02-12. Review status: criteria provided, single submitter. Criteria: ACMG Guidelines, 2015. Collection method: clinical testing. Allele origin: germline. Affected: yes.

Cambridge Genomics Laboratory, East Genomic Laboratory Hub, NHS Genomic Medicine Service
Classification: Uncertain significance for Intellectual disability. Last evaluated: 2019-11-28. Review status: criteria provided, single submitter. Criteria: ACGS Best Practice Guidelines for Variant Classification in Rare Disease 2020. Collection method: clinical testing. Allele origin: germline. Affected: yes. Observed: 1 variant allele.

Fulgent Genetics
Classification: Uncertain significance for Charlevoix-Saguenay spastic ataxia. Last evaluated: 2018-10-31. Review status: criteria provided, single submitter. Criteria: ACMG Guidelines, 2015. Collection method: clinical testing. Allele origin: unknown.

Eurofins Ntd Llc (ga)
Classification: Uncertain significance. Last evaluated: 2016-11-03. Review status: criteria provided, single submitter. Criteria: EGL Classification Definitions 2015. Collection method: clinical testing. Allele origin: germline. Observed: 1 variant allele, 1 heterozygote.

Literature cited by the submitters: PubMed 31692161 (cited by 3 submitters).